The following is an entry in ClinVar:

ClinVar aggregate classification (germline): Uncertain significance (1 of 4 stars; one submission).

Allele frequency attached by ClinVar (database versions not stated): gnomAD exomes below 0.00001.
gnomAD v4.1: 7 of 1,614,096 alleles (0.00043%); highest among the groups gnomAD compares: Non-Finnish European, 0.00051%; no homozygotes.

Submission:

Labcorp Genetics (formerly Invitae), Labcorp
Classification: Uncertain significance. Last evaluated: 2024-01-22. Review status: criteria provided, single submitter. Criteria: Invitae Variant Classification Sherloc (09022015). Collection method: clinical testing. Allele origin: germline.
Comment: This sequence change replaces tyrosine, which is neutral and polar, with cysteine, which is neutral and slightly polar, at codon 215 of the DEAF1 protein (p.Tyr215Cys). This variant is not present in population databases (gnomAD no frequency). This variant has not been reported in the literature in individuals affected with DEAF1-related conditions. ClinVar contains an entry for this variant (Variation ID: 1935065). Advanced modeling of protein sequence and biophysical properties (such as structural, functional, and spatial information, amino acid conservation, physicochemical variation, residue mobility, and thermodynamic stability) performed at Invitae indicates that this missense variant is expected to disrupt DEAF1 protein function with a positive predictive value of 80%. In summary, the available evidence is currently insufficient to determine the role of this variant in disease. Therefore, it has been classified as a Variant of Uncertain Significance.

NM_021008.4(DEAF1):c.644A>G (p.Tyr215Cys)

Gene: DEAF1 (DEAF1 transcription factor; minus strand). Cytogenetic location: 11p15.5.
Variant type: single nucleotide variant.
Coding change: c.644A>G on transcript NM_021008.4 (MANE Select); coding-DNA position 644, A replaced by G.
Protein change: p.Tyr215Cys; replaces tyrosine 215 with cysteine.
Molecular consequence: missense variant. On other transcripts: 5 prime UTR variant (1).
Genome position (GRCh38, 1-based): chr11:687,931, T>C on the plus strand (A>G on the coding strand, the complement: DEAF1 is on the minus strand). VCF-style: chr11-687931-T-C. GRCh37 (hg19) VCF-style: chr11-687931-T-C.
Other names: c.644A>G, p.Tyr215Cys (NM_001293634.2); c.-83A>G (NM_001367390.1); short protein forms Y215C.
Identifiers: ClinVar variation 1935065 (VCV001935065.5), dbSNP rs2494455107, ClinGen allele CA378933375.